The following is an entry in ClinVar:

ClinVar aggregate classification (germline): Conflicting classifications of pathogenicity. Review status: criteria provided, conflicting classifications (1 of 4 stars). 2 submissions from 2 submitters: Uncertain significance (1); Likely benign (1). Last evaluated 2024-03-21.

Conditions:
Familial hypobetalipoproteinemia 1. Also called: APOB-Related Familial Hypobetalipoproteinemia; Hypobetalipoproteinemia, normotriglyceridemic; Acanthocytosis with hypobetalipoproteinemia. Identifiers: MedGen C4551990, MONDO:0014252, OMIM 615558.
Hypercholesterolemia, autosomal dominant, type B (FHCL2). Also called: Familial Hypercholesterolemia Type B; APOLIPOPROTEIN B-100, FAMILIAL DEFECTIVE; APOLIPOPROTEIN B-100, FAMILIAL LIGAND-DEFECTIVE; HYPERCHOLESTEROLEMIA, FAMILIAL, DUE TO LIGAND-DEFECTIVE APOLIPOPROTEIN B; APOB-Related Familial Hypercholesterolemia, Autosomal Dominant; Familial hypercholesterolemia 2. Identifiers: MedGen C1704417, MONDO:0007751, OMIM 144010.
Cardiovascular phenotype. Identifiers: MedGen CN230736.

Allele frequency attached by ClinVar (database versions not stated): gnomAD exomes below 0.00001 and 0.00001; TOPMed below 0.00001.

Submissions (2):

Ambry Genetics
Classification: Likely benign for Cardiovascular phenotype. Last evaluated: 2024-03-21. Review status: criteria provided, single submitter. Criteria: Ambry Variant Classification Scheme 2023. Collection method: clinical testing. Allele origin: germline.

Labcorp Genetics (formerly Invitae), Labcorp
Classification: Uncertain significance for Familial hypobetalipoproteinemia 1; Hypercholesterolemia, autosomal dominant, type B. Last evaluated: 2021-02-28. Review status: criteria provided, single submitter. Criteria: Invitae Variant Classification Sherloc (09022015). Collection method: clinical testing. Allele origin: germline.
Comment: This sequence change replaces methionine with isoleucine at codon 1058 of the APOB protein (p.Met1058Ile). The methionine residue is weakly conserved and there is a small physicochemical difference between methionine and isoleucine. This variant is not present in population databases (ExAC no frequency). This variant has not been reported in the literature in individuals with APOB-related conditions. Algorithms developed to predict the effect of missense changes on protein structure and function (SIFT, PolyPhen-2, Align-GVGD) all suggest that this variant is likely to be tolerated, but these predictions have not been confirmed by published functional studies and their clinical significance is uncertain. In summary, the available evidence is currently insufficient to determine the role of this variant in disease. Therefore, it has been classified as a Variant of Uncertain Significance.

NM_000384.3(APOB):c.3174G>C (p.Met1058Ile)

Gene: APOB (apolipoprotein B; minus strand). Cytogenetic location: 2p24.1.
Variant type: single nucleotide variant.
Coding change: c.3174G>C on transcript NM_000384.3 (MANE Select); coding-DNA position 3174, G replaced by C.
Protein change: p.Met1058Ile; replaces methionine 1058 with isoleucine.
Molecular consequence: missense variant.
Genome position (GRCh38, 1-based): chr2:21,016,597, C>G on the plus strand (G>C on the coding strand, the complement: APOB is on the minus strand). VCF-style: chr2-21016597-C-G. GRCh37 (hg19) VCF-style: chr2-21239469-C-G.
Other names: c.3174G>C (NM_000384.2); short protein forms M1058I.
Identifiers: ClinVar variation 1407093 (VCV001407093.9), dbSNP rs1320758709, ClinGen allele CA346009663.